The following is an entry in ClinVar:

NM_172351.3(CD46):c.418T>C (p.Tyr140His)

Gene: CD46 (CD46 molecule; plus strand). Cytogenetic location: 1q32.2.
Variant type: single nucleotide variant.
Coding change: c.418T>C on transcript NM_172351.3 (MANE Select); coding-DNA position 418, T replaced by C.
Protein change: p.Tyr140His; replaces tyrosine 140 with histidine.
Molecular consequence: missense variant.
Genome position (GRCh38, 1-based): chr1:207,759,667, T>C. VCF-style: chr1-207759667-T-C. GRCh37 (hg19) VCF-style: chr1-207933012-T-C.
Other names: c.418T>C, p.Tyr140His (NM_002389.4, NM_153826.4, NM_172350.3 and 8 more transcripts); short protein forms Y140H.
Identifiers: ClinVar variation 2810555 (VCV002810555.3), dbSNP rs1655966919, ClinGen allele CA344548643.
Genomic context (GRCh38, chr1:207,759,667, plus strand): 5'-ACAAAACAGTAACCCTTTCTTTTCTCATTTAGTTATTACTTAATTGGTGAAGAAATTCTA[T>C]ATTGTGAACTTAAAGGATCAGTAGCAATTTGGAGCGGTAAGCCCCCAATATGTGAAAGTA-3'
Protein context (NP_758861.1, residues 130-150): GYYLIGEEIL[Tyr140His]CELKGSVAIW

ClinVar aggregate classification (germline): Uncertain significance (1 of 4 stars; one submission).

Allele frequency attached by ClinVar (database versions not stated): gnomAD exomes below 0.00001; TOPMed below 0.00001.
gnomAD v4.1: 1 of 1,596,746 alleles (0.000063%); highest among the groups gnomAD compares: Non-Finnish European, 0.000086%; no homozygotes.

Submission:

Labcorp Genetics (formerly Invitae), Labcorp
Classification: Uncertain significance. Last evaluated: 2022-10-31. Review status: criteria provided, single submitter. Criteria: Invitae Variant Classification Sherloc (09022015). Collection method: clinical testing. Allele origin: germline.
Comment: This variant has not been reported in the literature in individuals affected with CD46-related conditions. This variant is not present in population databases (gnomAD no frequency). This sequence change replaces tyrosine, which is neutral and polar, with histidine, which is basic and polar, at codon 140 of the CD46 protein (p.Tyr140His). Advanced modeling of protein sequence and biophysical properties (such as structural, functional, and spatial information, amino acid conservation, physicochemical variation, residue mobility, and thermodynamic stability) performed at Invitae indicates that this missense variant is not expected to disrupt CD46 protein function. In summary, the available evidence is currently insufficient to determine the role of this variant in disease. Therefore, it has been classified as a Variant of Uncertain Significance.